The following is an entry in ClinVar:

NM_000530.8(MPZ):c.576G>T (p.Arg192Ser)

Gene: MPZ (myelin protein zero; minus strand). Cytogenetic location: 1q23.3.
Variant type: single nucleotide variant.
Coding change: c.576G>T on transcript NM_000530.8 (MANE Select); coding-DNA position 576, G replaced by T.
Protein change: p.Arg192Ser; replaces arginine 192 with serine.
Molecular consequence: missense variant.
Genome position (GRCh38, 1-based): chr1:161,306,337, C>A on the plus strand (G>T on the coding strand, the complement: MPZ is on the minus strand). VCF-style: chr1-161306337-C-A. GRCh37 (hg19) VCF-style: chr1-161276127-C-A.
Other names: c.576G>T, p.Arg192Ser (NM_001315491.2); short protein forms R192S.
Identifiers: ClinVar variation 3377879 (VCV003377879.1).

ClinVar aggregate classification (germline): Uncertain significance (1 of 4 stars; one submission).

Submission:

GeneDx
Classification: Uncertain significance. Last evaluated: 2024-05-14. Review status: criteria provided, single submitter. Criteria: GeneDx Variant Classification Process June 2021. Collection method: clinical testing. Allele origin: germline. Affected: yes.
Comment: Not observed at significant frequency in large population cohorts (gnomAD); Missense variants in this gene are a common cause of disease and they are underrepresented in the general population; In silico analysis indicates that this missense variant does not alter protein structure/function; Has not been previously published as pathogenic or benign to our knowledge; This variant is associated with the following publications: (PMID: 20461396, 26310628)